The following is an entry in ClinVar:

ClinVar aggregate classification (germline): Conflicting classifications of pathogenicity. Review status: criteria provided, conflicting classifications (1 of 4 stars). 9 submissions from 9 submitters: Uncertain significance (1); Benign (3); Likely benign (5). Last evaluated 2026-08-01.

Conditions:
Motor neuron disease. Also called: Degenerative motor system disease; Motor neuron disorder. Identifiers: Orphanet 98503, MedGen C0085084, MONDO:0020128.
Short-rib thoracic dysplasia 6 with or without polydactyly (SRTD6). Also called: POLYDACTYLY WITH NEONATAL CHONDRODYSTROPHY, TYPE II; Majewski Syndrome; SHORT-RIB THORACIC DYSPLASIA 6 WITH POLYDACTYLY; SHORT-RIB THORACIC DYSPLASIA 6 WITHOUT POLYDACTYLY; SHORT RIB-POLYDACTYLY SYNDROME, TYPE IIA. Identifiers: MedGen C0024507, MONDO:0009894, OMIM 263520.

Allele frequency attached by ClinVar (database versions not stated): 1000 Genomes Project 30x 0.00141; 1000 Genomes Project 0.00160; TOPMed 0.00296; gnomAD 0.00412 and 0.00417; ESP Exome Variant Server 0.00435; gnomAD exomes 0.00465 and 0.00550; ExAC 0.00618.
gnomAD v4.1: 8,332 of 1,578,452 alleles (0.53%); highest among the groups gnomAD compares: Non-Finnish European, 0.6%; 42 homozygotes.

Submissions (9):

CeGaT Center for Human Genetics Tuebingen
Classification: Likely benign. Last evaluated: 2026-08-01. Review status: criteria provided, single submitter. Criteria: CeGaT Center For Human Genetics Tuebingen Variant Classification Criteria Version 2. Collection method: clinical testing. Allele origin: germline. Affected: yes. Observed: 24 variant alleles.
Comment: NEK1: BS2

Labcorp Genetics (formerly Invitae), Labcorp
Classification: Benign for Short-rib thoracic dysplasia 6 with or without polydactyly. Last evaluated: 2026-01-08. Review status: criteria provided, single submitter. Criteria: Invitae Variant Classification Sherloc (09022015). Collection method: clinical testing. Allele origin: germline.

Blueprint Genetics
Classification: Likely benign. Last evaluated: 2024-11-25. Review status: criteria provided, single submitter. Criteria: ACMG Guidelines, 2015. Collection method: clinical testing. Allele origin: germline.

ARUP Laboratories, Molecular Genetics and Genomics, ARUP Laboratories
Classification: Benign. Last evaluated: 2024-04-30. Review status: criteria provided, single submitter. Criteria: ARUP Molecular Germline Variant Investigation Process 2024. Collection method: clinical testing. Allele origin: germline.

Centre for Genomic and Experimental Medicine, University of Edinburgh
Classification: Uncertain significance for Motor neuron disease. Last evaluated: 2024-02-15. Review status: criteria provided, single submitter. Criteria: Submitter's publication. Collection method: case-control. Allele origin: unknown. Affected: yes and no. Observed: 7 heterozygotes.

Molecular Genetics, Royal Melbourne Hospital
Classification: Likely benign for Short-rib thoracic dysplasia 6 with or without polydactyly. Last evaluated: 2023-06-06. Review status: criteria provided, single submitter. Criteria: ACMG Guidelines, 2015. Collection method: clinical testing. Allele origin: germline. Affected: no.

GeneDx
Classification: Benign. Last evaluated: 2020-01-31. Review status: criteria provided, single submitter. Criteria: GeneDx Variant Classification Process June 2021. Collection method: clinical testing. Allele origin: germline. Affected: yes.
Comment: This variant is associated with the following publications: (PMID: 28089114, 28935222)

Illumina Laboratory Services, Illumina
Classification: Likely benign for Short-rib thoracic dysplasia 6 with or without polydactyly. Last evaluated: 2018-01-12. Review status: criteria provided, single submitter. Criteria: ICSL Variant Classification Criteria 13 December 2019. Collection method: clinical testing. Allele origin: germline.
Comment: This variant was observed in the ICSL laboratory as part of a predisposition screen in an ostensibly healthy population. It had not been previously curated by ICSL or reported in the Human Gene Mutation Database (HGMD: prior to June 1st, 2018), and was therefore a candidate for classification through an automated scoring system. Utilizing variant allele frequency, disease prevalence and penetrance estimates, and inheritance mode, an automated score was calculated to assess if this variant is too frequent to cause the disease. Based on the score and internal cut-off values, a variant classified as likely benign is not then subjected to further curation. The score for this variant resulted in a classification of likely benign for this disease.

Eurofins Ntd Llc (ga)
Classification: Likely benign. Last evaluated: 2015-08-14. Review status: criteria provided, single submitter. Criteria: EGL Classification Definitions 2015. Collection method: clinical testing. Allele origin: germline. Observed: 1 variant allele, 1 heterozygote.

Literature cited by the submitters: PubMed 28089114 (cited by Centre for Genomic and Experimental Medicine, University of Edinburgh).

NM_001199397.3(NEK1):c.2235T>G (p.Asn745Lys)

Gene: NEK1 (NIMA related kinase 1; minus strand). Cytogenetic location: 4q33.
Variant type: single nucleotide variant.
Coding change: c.2235T>G on transcript NM_001199397.3 (MANE Select); coding-DNA position 2235, T replaced by G.
Protein change: p.Asn745Lys; replaces asparagine 745 with lysine.
Molecular consequence: missense variant. On other transcripts: non-coding transcript variant (1).
Genome position (GRCh38, 1-based): chr4:169,477,323, A>C on the plus strand (T>G on the coding strand, the complement: NEK1 is on the minus strand). VCF-style: chr4-169477323-A-C. GRCh37 (hg19) VCF-style: chr4-170398474-A-C.
Other names: c.2103T>G, p.Asn701Lys (NM_001199398.3); c.1944T>G, p.Asn648Lys (NM_001199399.3); c.2019T>G, p.Asn673Lys (NM_001199400.3); c.2235T>G, p.Asn745Lys (NM_001374418.1); c.2151T>G, p.Asn717Lys (NM_001374419.1, NM_012224.4); c.2100T>G, p.Asn700Lys (NM_001374420.1); c.1929T>G, p.Asn643Lys (NM_001374421.1); short protein forms N717K, N745K, N648K, N673K, N701K, N643K, N700K.
Identifiers: ClinVar variation 266051 (VCV000266051.54), dbSNP rs34324114, ClinGen allele CA3137455.
Genomic context (GRCh38, chr4:169,477,323, plus strand): 5'-CTCAAAAGTATCAGAGAGATTCTGCTTTCCTTTTTCATCTTCTTGAGCTTTAAGATTTTC[A>C]TTTAATCTACGAAGTATTTCTCGCTTACTCTGAAAGTCACGACATTATATATTTTAATAT-3'
Protein context (NP_001186326.1, residues 735-755): SSKREILRRL[Asn745Lys]ENLKAQEDEK